The following is an entry in ClinVar:

NM_001927.4(DES):c.8A>G (p.Gln3Arg)

Gene: DES (desmin; plus strand). Cytogenetic location: 2q35.
Variant type: single nucleotide variant.
Coding change: c.8A>G on transcript NM_001927.4 (MANE Select); coding-DNA position 8, A replaced by G.
Protein change: p.Gln3Arg; replaces glutamine 3 with arginine.
Molecular consequence: missense variant.
Genome position (GRCh38, 1-based): chr2:219,418,470, A>G. VCF-style: chr2-219418470-A-G. GRCh37 (hg19) VCF-style: chr2-220283192-A-G.
Other names: c.8A>G, p.Gln3Arg (NM_001382708.1, NM_001382709.1, NM_001382710.1 and 3 more transcripts); short protein forms Q3R.
Identifiers: ClinVar variation 1025467 (VCV001025467.9), dbSNP rs1954358286, ClinGen allele CA350681975.

ClinVar aggregate classification (germline): Uncertain significance (1 of 4 stars; one submission).

Conditions:
Desmin-related myofibrillar myopathy (MFM1). Also called: Desmin related myopathy (former name); Desmin storage myopathy (former name); MYOFIBRILLAR MYOPATHY WITH ARRHYTHMOGENIC RIGHT VENTRICULAR CARDIOMYOPATHY; DESMIN-RELATED MYOPATHY WITH ARRHYTHMOGENIC RIGHT VENTRICULAR CARDIOMYOPATHY; Myofibrillar myopathy 1; Desminopathy. Identifiers: Orphanet 363543, Orphanet 98909, MedGen C1832370, MONDO:0011076, OMIM 601419.

Submission:

Labcorp Genetics (formerly Invitae), Labcorp
Classification: Uncertain significance for Desmin-related myofibrillar myopathy. Last evaluated: 2022-10-03. Review status: criteria provided, single submitter. Criteria: Invitae Variant Classification Sherloc (09022015). Collection method: clinical testing. Allele origin: germline.
Comment: In summary, the available evidence is currently insufficient to determine the role of this variant in disease. Therefore, it has been classified as a Variant of Uncertain Significance. Advanced modeling of protein sequence and biophysical properties (such as structural, functional, and spatial information, amino acid conservation, physicochemical variation, residue mobility, and thermodynamic stability) has been performed at Invitae for this missense variant, however the output from this modeling did not meet the statistical confidence thresholds required to predict the impact of this variant on DES protein function. ClinVar contains an entry for this variant (Variation ID: 1025467). This variant has not been reported in the literature in individuals affected with DES-related conditions. This variant is not present in population databases (gnomAD no frequency). This sequence change replaces glutamine, which is neutral and polar, with arginine, which is basic and polar, at codon 3 of the DES protein (p.Gln3Arg).